The following is an entry in ClinVar:

NM_001083961.2(WDR62):c.3863G>A (p.Trp1288Ter)

Gene: WDR62 (WD repeat domain 62; plus strand). Cytogenetic location: 19q13.12.
Variant type: single nucleotide variant.
Coding change: c.3863G>A on transcript NM_001083961.2 (MANE Select); coding-DNA position 3863, G replaced by A.
Protein change: p.Trp1288Ter; replaces tryptophan 1288 with a stop codon.
Molecular consequence: nonsense.
Genome position (GRCh38, 1-based): chr19:36,103,691, G>A. VCF-style: chr19-36103691-G-A. GRCh37 (hg19) VCF-style: chr19-36594593-G-A.
Other names: c.3848G>A, p.Trp1283Ter (NM_001411145.1, NM_173636.5); c.3614G>A, p.Trp1205Ter (NM_001411146.1); c.3512G>A, p.Trp1171Ter (NM_001411147.1); short protein forms W1171*, W1205*, W1283*, W1288*.
Identifiers: ClinVar variation 1805068 (VCV001805068.1), dbSNP rs2513788270, ClinGen allele CA405458153.

ClinVar aggregate classification (germline): Pathogenic (1 of 4 stars; one submission).

Conditions:
Microcephaly 2, primary, autosomal recessive, with or without cortical malformations. Also called: MICROCEPHALY 2, PRIMARY, AUTOSOMAL RECESSIVE, WITH CORTICAL MALFORMATIONS; WDR62 Primary Microcephaly. Identifiers: Orphanet 2512, MedGen C1858535, MONDO:0011435, OMIM 604317.

Submission:

Victorian Clinical Genetics Services, Murdoch Childrens Research Institute
Classification: Pathogenic for Microcephaly 2, primary, autosomal recessive, with or without cortical malformations. Last evaluated: 2022-02-02. Review status: criteria provided, single submitter. Criteria: ACMG Guidelines, 2015. Collection method: clinical testing. Allele origin: germline. Inheritance: Autosomal recessive inheritance. Affected: yes.
Comment: Based on the classification scheme VCGS_Germline_v1.3.4, this variant is classified as Pathogenic. Following criteria are met: 0102 - Loss of function is a known mechanism of disease in this gene and is associated with primary microcephaly 2, with or without cortical malformations (MIM#604317). (I) 0106 - This gene is associated with autosomal recessive disease. (I) 0201 - Variant is predicted to cause nonsense-mediated decay (NMD) and loss of protein (premature termination codon is located at least 54 nucleotides upstream of the final exon-exon junction). (SP) 0251 - This variant is heterozygous. (I) 0301 - Variant is absent from gnomAD (both v2 and v3). (SP) 0701 - Other NMD-predicted variants comparable to the one identified in this case have very strong previous evidence for pathogenicity (ClinVar). (SP) 0807 - This variant has no previous evidence of pathogenicity. (I) 0905 - No published segregation evidence has been identified for this variant. (I) 1007 - No published functional evidence has been identified for this variant. (I) 1208 - Inheritance information for this variant is not currently available in this individual. (I) Legend: (SP) - Supporting pathogenic, (I) - Information, (SB) - Supporting benign